The following is an entry in ClinVar:

ClinVar aggregate classification (germline): Likely benign. Review status: criteria provided, single submitter (1 of 4 stars). 2 submissions from 2 submitters: Likely benign (1). 1 of the submissions does not count toward it. Last evaluated 2025-09-09.

Conditions:
HMGCS2-related disorder. Also called: HMGCS2-related condition.
3-hydroxy-3-methylglutaryl-CoA synthase deficiency (HMGCS2D). Also called: HMGCS2 DEFICIENCY; MITOCHONDRIAL HMG-CoA SYNTHASE DEFICIENCY; HMG-CoA synthase-2 deficiency. Identifiers: Orphanet 35701, MedGen C2751532, MONDO:0011614, OMIM 605911.

Allele frequency attached by ClinVar (database versions not stated): gnomAD 0.00003; ExAC 0.00004; TOPMed 0.00004; gnomAD exomes 0.00008; ESP Exome Variant Server 0.00023.
gnomAD v4.1: 120 of 1,614,126 alleles (0.0074%); highest among the groups gnomAD compares: Non-Finnish European, 0.01%; no homozygotes.

Submissions (2):

Labcorp Genetics (formerly Invitae), Labcorp
Classification: Likely benign for 3-hydroxy-3-methylglutaryl-CoA synthase deficiency. Last evaluated: 2025-09-09. Review status: criteria provided, single submitter. Criteria: Invitae Variant Classification Sherloc (09022015). Collection method: clinical testing. Allele origin: germline.

PreventionGenetics, part of Exact Sciences
Classification: Likely benign for HMGCS2-related condition. Last evaluated: 2021-04-07. Review status: no assertion criteria provided. Collection method: clinical testing. Allele origin: germline. Not counted in ClinVar's aggregate classification.
Comment: This variant is classified as likely benign based on ACMG/AMP sequence variant interpretation guidelines (Richards et al. 2015 PMID: 25741868, with internal and published modifications).

NM_005518.4(HMGCS2):c.348C>T (p.Arg116=)

Gene: HMGCS2 (3-hydroxy-3-methylglutaryl-CoA synthase 2; minus strand). Cytogenetic location: 1p12.
Variant type: single nucleotide variant.
Coding change: c.348C>T on transcript NM_005518.4 (MANE Select); coding-DNA position 348, C replaced by T.
Protein change: p.Arg116=; no amino-acid change (arginine 116 retained).
Molecular consequence: synonymous variant.
Genome position (GRCh38, 1-based): chr1:119,764,383, G>A on the plus strand (C>T on the coding strand, the complement: HMGCS2 is on the minus strand). VCF-style: chr1-119764383-G-A. GRCh37 (hg19) VCF-style: chr1-120307006-G-A.
Other names: c.348C>T, p.Arg116= (NM_001166107.1).
Identifiers: ClinVar variation 2918621 (VCV002918621.5), dbSNP rs146073837, ClinGen allele CA1037905.